The following is an entry in ClinVar:

NM_004560.4(ROR2):c.1366C>T (p.Leu456Phe)

Gene: ROR2 (receptor tyrosine kinase like orphan receptor 2; minus strand). Cytogenetic location: 9q22.31.
Variant type: single nucleotide variant.
Coding change: c.1366C>T on transcript NM_004560.4 (MANE Select); coding-DNA position 1366, C replaced by T.
Protein change: p.Leu456Phe; replaces leucine 456 with phenylalanine.
Molecular consequence: missense variant. On other transcripts: 3 prime UTR variant (1).
Genome position (GRCh38, 1-based): chr9:91,726,561, G>A on the plus strand (C>T on the coding strand, the complement: ROR2 is on the minus strand). VCF-style: chr9-91726561-G-A. GRCh37 (hg19) VCF-style: chr9-94488843-G-A.
Other names: c.1366C>T (NM_004560.3); c.*33C>T (NM_001318204.2); short protein forms L456F.
Identifiers: ClinVar variation 2706615 (VCV002706615.4), dbSNP rs1335763127, ClinGen allele CA373799290.
Genomic context (GRCh38, chr9:91,726,561, plus strand): 5'-TGGAAGAGCCACCCGGGTAGAAAATGTAAGGCATGGAGACCTGTTTGTGCTGGTTAATGA[G>A]GGGCATTTCCATGTCTTGGCTGGGCGAGGCCATCAGCTGTCGCCGCTGCGGTGTGGACGC-3'
Protein context (NP_004551.2, residues 446-466): ASPSQDMEMP[Leu456Phe]INQHKQAKLK

ClinVar aggregate classification (germline): Uncertain significance. Review status: criteria provided, multiple submitters, no conflicts (2 of 4 stars). 2 submissions from 2 submitters: Uncertain significance (2). Last evaluated 2025-07-02.

Conditions:
Inborn genetic diseases. Identifiers: MedGen C0950123, MeSH D030342.

Allele frequency attached by ClinVar (database versions not stated): gnomAD 0.00001; gnomAD exomes 0.00001.
gnomAD v4.1: 20 of 1,612,538 alleles (0.0012%); highest among the groups gnomAD compares: Non-Finnish European, 0.0016%; no homozygotes.

Submissions (2):

Ambry Genetics
Classification: Uncertain significance for Inborn genetic diseases. Last evaluated: 2025-07-02. Review status: criteria provided, single submitter. Criteria: Ambry Variant Classification Scheme 2023. Collection method: clinical testing. Allele origin: germline.

Labcorp Genetics (formerly Invitae), Labcorp
Classification: Uncertain significance. Last evaluated: 2023-06-10. Review status: criteria provided, single submitter. Criteria: Invitae Variant Classification Sherloc (09022015). Collection method: clinical testing. Allele origin: germline.
Comment: In summary, the available evidence is currently insufficient to determine the role of this variant in disease. Therefore, it has been classified as a Variant of Uncertain Significance. Advanced modeling of protein sequence and biophysical properties (such as structural, functional, and spatial information, amino acid conservation, physicochemical variation, residue mobility, and thermodynamic stability) performed at Invitae indicates that this missense variant is not expected to disrupt ROR2 protein function. This variant has not been reported in the literature in individuals affected with ROR2-related conditions. This variant is present in population databases (no rsID available, gnomAD 0.01%). This sequence change replaces leucine, which is neutral and non-polar, with phenylalanine, which is neutral and non-polar, at codon 456 of the ROR2 protein (p.Leu456Phe).